The following is an entry in ClinVar:

ClinVar aggregate classification (germline): Uncertain significance (1 of 4 stars; one submission).

Conditions:
Brugada syndrome. Also called: Sudden unexplained nocturnal death syndrome; Sudden Unexplained Nocturnal Death Syndrome (SUNDS); Sudden Unexplained Death Syndrome; Sudden unexpected nocturnal death syndrome. Identifiers: Orphanet 130, MedGen C1142166, MONDO:0015263.

Allele frequency attached by ClinVar (database versions not stated): gnomAD exomes below 0.00001.
gnomAD v4.1: 1 of 1,613,282 alleles (0.000062%); highest among the groups gnomAD compares: Admixed American, 0.0017%; no homozygotes.

Submission:

Labcorp Genetics (formerly Invitae), Labcorp
Classification: Uncertain significance for Brugada syndrome. Last evaluated: 2018-10-16. Review status: criteria provided, single submitter. Criteria: Invitae Variant Classification Sherloc (09022015). Collection method: clinical testing. Allele origin: germline.
Comment: This sequence change falls in intron 23 of the SCN10A gene. It does not directly change the encoded amino acid sequence of the SCN10A protein, but it affects a nucleotide within the consensus splice site of the intron. This variant is not present in population databases (ExAC no frequency). This variant has not been reported in the literature in individuals with SCN10A-related disease. Nucleotide substitutions within the consensus splice site are a relatively common cause of aberrant splicing (PMID: 17576681, 9536098). Algorithms developed to predict the effect of sequence changes on RNA splicing suggest that this variant is not likely to affect RNA splicing, but this prediction has not been confirmed by published transcriptional studies. In summary, the available evidence is currently insufficient to determine the role of this variant in disease. Therefore, it has been classified as a Variant of Uncertain Significance.

NM_006514.4(SCN10A):c.4143+3G>A

Gene: SCN10A (sodium voltage-gated channel alpha subunit 10; minus strand). Cytogenetic location: 3p22.2.
Variant type: single nucleotide variant.
Coding change: c.4143+3G>A on transcript NM_006514.4 (MANE Select); 3 bases into the intron after coding-DNA position 4143, G replaced by A.
Molecular consequence: intron variant.
Genome position (GRCh38, 1-based): chr3:38,710,841, C>T on the plus strand (G>A on the coding strand, the complement: SCN10A is on the minus strand). VCF-style: chr3-38710841-C-T. GRCh37 (hg19) VCF-style: chr3-38752332-C-T.
Other names: c.3849+3G>A (NM_001293307.2); c.4140+3G>A (NM_001293306.2).
Identifiers: ClinVar variation 664177 (VCV000664177.1), dbSNP rs1219287348, ClinGen allele CA542276439.